The following is an entry in ClinVar:

NM_000545.8(HNF1A):c.425C>A (p.Ser142Tyr)

Gene: HNF1A (HNF1 homeobox A; plus strand). Cytogenetic location: 12q24.31.
Variant type: single nucleotide variant.
Coding change: c.425C>A on transcript NM_000545.8 (MANE Select); coding-DNA position 425, C replaced by A.
Protein change: p.Ser142Tyr; replaces serine 142 with tyrosine.
Molecular consequence: missense variant.
Genome position (GRCh38, 1-based): chr12:120,988,931, C>A. VCF-style: chr12-120988931-C-A. GRCh37 (hg19) VCF-style: chr12-121426734-C-A.
Other names: NM_001306179.2:c.425C>A; c.425C>A, p.Ser142Tyr (NM_001306179.2); short protein forms S142Y.
Identifiers: ClinVar variation 1327616 (VCV001327616.5), dbSNP rs2135832668, ClinGen allele CA386959897.
Genomic context (GRCh38, chr12:120,988,931, plus strand): 5'-ACCTGCAGCAGCACAACATCCCACAGCGGGAGGTGGTCGATACCACTGGCCTCAACCAGT[C>A]CCACCTGTCCCAACACCTCAACAAGGGCACTCCCATGAAGACGCAGAAGCGGGCCGCCCT-3'
Protein context (NP_000536.6, residues 132-152): EVVDTTGLNQ[Ser142Tyr]HLSQHLNKGT

ClinVar aggregate classification (germline): Likely pathogenic (3 of 4 stars; one submission).

Conditions:
Monogenic diabetes. Identifiers: Orphanet 183625, MedGen C3888631, MONDO:0015967.

Submission:

ClinGen Monogenic Diabetes Variant Curation Expert Panel
Classification: Likely pathogenic for Monogenic diabetes. Last evaluated: 2025-11-18. Review status: reviewed by expert panel. Criteria: ClinGen Diabetes ACMG Specifications HNF1A V3.1.0. Collection method: curation. Allele origin: germline. Inheritance: Autosomal dominant inheritance.
Comment: The c.425C>A variant in the HNF1 homeobox A gene, HNF1A, causes an amino acid change of serine to tyrosine at codon 142 (p.(Ser142Tyr)) of NM_000545.8. This variant is located within the DNA binding domain (codons 107-174) of HNF1A, which is defined as critical for the protein’s function by the ClinGen MDEP (PM1_Supporting). Additionally, this variant is predicted to be deleterious by computational evidence, with a REVEL score of 0.9739, which is greater than the MDEP threshold of 0.70 (PP3). Another missense variant, c.425C>T, p.Ser142Phe, has been classified as pathogenic by the ClinGen MDEP but has a greater Grantham distance than p.Ser142Tyr (PM5_Supporting). This variant is absent in gnomAD v2.1.1 and v4.1.0 (PM2_Supporting), and was identified in three unrelated individuals with non-autoimmune and non-absolute/near-absolute insulin-deficient diabetes, however PS4_Moderate cannot be applied because this number is below the ClinGen MDEP threshold (internal lab contributors). This variant segregated with diabetes with one informative meiosis in a single family; however, this does not meet the thresholds for PP1 set by the ClinGen MDEP (PMID: 27236918, [internal lab contributors]). Taken together, this evidence supports a classification of this variant as likely pathogenic for monogenic diabetes. ACMG/AMP criteria applied, as specified by the ClinGen MDEP VCEP (specification version 3.1.0, approved 10/10/2025): PP3, PP4_Moderate, PM1_Supporting, PM2_Supporting, PM5_Supporting.